The following is an entry in ClinVar:

ClinVar aggregate classification (germline): Conflicting classifications of pathogenicity. Review status: criteria provided, conflicting classifications (1 of 4 stars). 5 submissions from 5 submitters: Uncertain significance (2); Likely benign (2). 1 of the submissions does not count toward it. Last evaluated 2021-03-09.

Conditions:
HSPG2-related disorder. Also called: HSPG2-related condition; HSPG2-related disorders.

Allele frequency attached by ClinVar (database versions not stated): gnomAD exomes 0.00002 and 0.00005; ExAC 0.00008; ESP Exome Variant Server 0.00008; 1000 Genomes Project 0.00020; TOPMed 0.00022; gnomAD 0.00024 and 0.00025; 1000 Genomes Project 30x 0.00031.
gnomAD v4.1: 75 of 1,613,758 alleles (0.0046%); highest among the groups gnomAD compares: African/African-American, 0.068%; no homozygotes.

Submissions (5):

ARUP Laboratories, Molecular Genetics and Genomics, ARUP Laboratories
Classification: Likely benign. Last evaluated: 2021-03-09. Review status: criteria provided, single submitter. Criteria: ARUP Molecular Germline Variant Investigation Process 2021. Collection method: clinical testing. Allele origin: germline.

Athena Diagnostics
Classification: Uncertain significance. Last evaluated: 2020-02-26. Review status: criteria provided, single submitter. Criteria: Athena Diagnostics Criteria. Collection method: clinical testing. Allele origin: unknown.

Revvity Omics, Revvity
Classification: Uncertain significance. Last evaluated: 2019-04-30. Review status: criteria provided, single submitter. Criteria: ACMG Guidelines, 2015. Collection method: clinical testing. Allele origin: germline.

Labcorp Genetics (formerly Invitae), Labcorp
Classification: Likely benign. Last evaluated: 2018-05-04. Review status: criteria provided, single submitter. Criteria: Invitae Variant Classification Sherloc (09022015). Collection method: clinical testing. Allele origin: germline.

PreventionGenetics, part of Exact Sciences
Classification: Likely benign for HSPG2-related condition. Last evaluated: 2019-03-22. Review status: no assertion criteria provided. Collection method: clinical testing. Allele origin: germline. Not counted in ClinVar's aggregate classification.
Comment: This variant is classified as likely benign based on ACMG/AMP sequence variant interpretation guidelines (Richards et al. 2015 PMID: 25741868, with internal and published modifications).

NM_005529.7(HSPG2):c.9060G>A (p.Arg3020=)

Gene: HSPG2 (heparan sulfate proteoglycan 2; minus strand). Cytogenetic location: 1p36.12.
Variant type: single nucleotide variant.
Coding change: c.9060G>A on transcript NM_005529.7 (MANE Select); coding-DNA position 9060, G replaced by A.
Protein change: p.Arg3020=; no amino-acid change (arginine 3020 retained).
Molecular consequence: synonymous variant.
Genome position (GRCh38, 1-based): chr1:21,842,135, C>T on the plus strand (G>A on the coding strand, the complement: HSPG2 is on the minus strand). VCF-style: chr1-21842135-C-T. GRCh37 (hg19) VCF-style: chr1-22168628-C-T.
Other names: c.9063G>A, p.Arg3021= (NM_001291860.2); c.9060G>A (NM_005529.5).
Identifiers: ClinVar variation 709329 (VCV000709329.16), dbSNP rs372508479, ClinGen allele CA670563.